The following is an entry in ClinVar:

ClinVar aggregate classification (germline): Uncertain significance. Review status: criteria provided, multiple submitters, no conflicts (2 of 4 stars). 2 submissions from 2 submitters: Uncertain significance (2). Last evaluated 2025-03-02.

Conditions:
Inborn genetic diseases. Identifiers: MedGen C0950123, MeSH D030342.

Allele frequency attached by ClinVar (database versions not stated): TOPMed below 0.00001; gnomAD 0.00001.
gnomAD v4.1: 5 of 1,610,170 alleles (0.00031%); highest among the groups gnomAD compares: Non-Finnish European, 0.00042%; no homozygotes.

Submissions (2):

GeneDx
Classification: Uncertain significance. Last evaluated: 2025-03-02. Review status: criteria provided, single submitter. Criteria: GeneDx Variant Classification Process June 2021. Collection method: clinical testing. Allele origin: germline. Affected: yes.
Comment: Not observed at significant frequency in large population cohorts (gnomAD); In silico analysis supports that this missense variant has a deleterious effect on protein structure/function; Has not been previously published as pathogenic or benign to our knowledge.

Ambry Genetics
Classification: Uncertain significance for Inborn genetic diseases. Last evaluated: 2023-08-28. Review status: criteria provided, single submitter. Criteria: Ambry Variant Classification Scheme 2023. Collection method: clinical testing. Allele origin: germline.

NM_001256012.3(MYH10):c.3052A>T (p.Ile1018Phe)

Gene: MYH10 (myosin heavy chain 10; minus strand). Cytogenetic location: 17p13.1.
Variant type: single nucleotide variant.
Coding change: c.3052A>T on transcript NM_001256012.3 (MANE Select); coding-DNA position 3052, A replaced by T.
Protein change: p.Ile1018Phe; replaces isoleucine 1018 with phenylalanine.
Molecular consequence: missense variant.
Genome position (GRCh38, 1-based): chr17:8,509,850, T>A on the plus strand (A>T on the coding strand, the complement: MYH10 is on the minus strand). VCF-style: chr17-8509850-T-A. GRCh37 (hg19) VCF-style: chr17-8413168-T-A.
Other names: c.2986A>T, p.Ile996Phe (NM_001256095.2); c.2989A>T, p.Ile997Phe (NM_001375266.1); c.2959A>T, p.Ile987Phe (NM_005964.5); c.3052A>T (NM_001256012.1); short protein forms I987F, I997F, I1018F, I996F.
Identifiers: ClinVar variation 2621897 (VCV002621897.3), dbSNP rs1328967664, ClinGen allele CA398037640.